The following is an entry in ClinVar:

ClinVar aggregate classification (germline): Uncertain significance (1 of 4 stars; one submission).

Conditions:
Brugada syndrome. Also called: Sudden Unexplained Death Syndrome; Sudden Unexplained Nocturnal Death Syndrome (SUNDS); Sudden unexplained nocturnal death syndrome; Sudden unexpected nocturnal death syndrome. Identifiers: Orphanet 130, MedGen C1142166, MONDO:0015263.

Submission:

Labcorp Genetics (formerly Invitae), Labcorp
Classification: Uncertain significance for Brugada syndrome. Last evaluated: 2023-12-08. Review status: criteria provided, single submitter. Criteria: Invitae Variant Classification Sherloc (09022015). Collection method: clinical testing. Allele origin: germline.
Comment: This sequence change falls in intron 6 of the CACNA2D1 gene. It does not directly change the encoded amino acid sequence of the CACNA2D1 protein. It affects a nucleotide within the consensus splice site. This variant is not present in population databases (gnomAD no frequency). This variant has not been reported in the literature in individuals affected with CACNA2D1-related conditions. ClinVar contains an entry for this variant (Variation ID: 463227). Variants that disrupt the consensus splice site are a relatively common cause of aberrant splicing (PMID: 17576681, 9536098). Algorithms developed to predict the effect of sequence changes on RNA splicing suggest that this variant is not likely to affect RNA splicing. In summary, the available evidence is currently insufficient to determine the role of this variant in disease. Therefore, it has been classified as a Variant of Uncertain Significance.

Literature cited by the submitters: PubMed 17576681; PubMed 9536098.

NM_000722.4(CACNA2D1):c.527-3T>C

Gene: CACNA2D1 (calcium voltage-gated channel auxiliary subunit alpha2delta 1; minus strand). Cytogenetic location: 7q21.11.
Variant type: single nucleotide variant.
Coding change: c.527-3T>C on transcript NM_000722.4 (MANE Select); 3 bases into the intron before coding-DNA position 527, T replaced by C.
Molecular consequence: intron variant.
Genome position (GRCh38, 1-based): chr7:82,084,903, A>G on the plus strand (T>C on the coding strand, the complement: CACNA2D1 is on the minus strand). VCF-style: chr7-82084903-A-G. GRCh37 (hg19) VCF-style: chr7-81714219-A-G.
Other names: c.527-3T>C (NM_001366867.1, NM_001302890.2).
Identifiers: ClinVar variation 463227 (VCV000463227.8), dbSNP rs1554398187, ClinGen allele CA658657679.
Genomic context (GRCh38, chr7:82,084,903, plus strand): 5'-TTTTTGAAAACTTCATCTAAGGCACTTGTCCAGTTGAGTTCATTTAACACAATTGTTGCT[A>G]ACAAAAAAGAGAGAAACCATTAATTAATTCAAATTTGTAATTAAAAACTGAATGTCTTCA-3'